The following is an entry in ClinVar:

NM_015346.4(ZFYVE26):c.1429G>A (p.Glu477Lys)

Gene: ZFYVE26 (zinc finger FYVE-type containing 26; minus strand). Cytogenetic location: 14q24.1.
Variant type: single nucleotide variant.
Coding change: c.1429G>A on transcript NM_015346.4 (MANE Select); coding-DNA position 1429, G replaced by A.
Protein change: p.Glu477Lys; replaces glutamic acid 477 with lysine.
Molecular consequence: missense variant.
Genome position (GRCh38, 1-based): chr14:67,804,107, C>T on the plus strand (G>A on the coding strand, the complement: ZFYVE26 is on the minus strand). VCF-style: chr14-67804107-C-T. GRCh37 (hg19) VCF-style: chr14-68270824-C-T.
Other names: short protein forms E477K.
Identifiers: ClinVar variation 1356374 (VCV001356374.8), dbSNP rs1365961964, ClinGen allele CA390176663.

ClinVar aggregate classification (germline): Uncertain significance (1 of 4 stars; one submission).

Conditions:
Spastic paraplegia. Identifiers: MedGen C0037772, HP:0001258.

Allele frequency attached by ClinVar (database versions not stated): gnomAD exomes below 0.00001 and 0.00001; gnomAD 0.00001.

Submission:

Labcorp Genetics (formerly Invitae), Labcorp
Classification: Uncertain significance for Spastic paraplegia. Last evaluated: 2021-03-26. Review status: criteria provided, single submitter. Criteria: Invitae Variant Classification Sherloc (09022015). Collection method: clinical testing. Allele origin: germline.
Comment: In summary, the available evidence is currently insufficient to determine the role of this variant in disease. Therefore, it has been classified as a Variant of Uncertain Significance. Algorithms developed to predict the effect of missense changes on protein structure and function output the following: SIFT: "Tolerated"; PolyPhen-2: "Benign"; Align-GVGD: "Class C0". The lysine amino acid residue is found in multiple mammalian species, suggesting that this missense change does not adversely affect protein function. These predictions have not been confirmed by published functional studies and their clinical significance is uncertain. This variant has not been reported in the literature in individuals with ZFYVE26-related conditions. This variant is not present in population databases (ExAC no frequency). This sequence change replaces glutamic acid with lysine at codon 477 of the ZFYVE26 protein (p.Glu477Lys). The glutamic acid residue is moderately conserved and there is a small physicochemical difference between glutamic acid and lysine.